The following is an entry in ClinVar:

NM_000794.5(DRD1):c.110C>T (p.Thr37Met)

Gene: DRD1 (dopamine receptor D1; minus strand). Cytogenetic location: 5q35.2.
Variant type: single nucleotide variant.
Coding change: c.110C>T on transcript NM_000794.5 (MANE Select); coding-DNA position 110, C replaced by T.
Protein change: p.Thr37Met; replaces threonine 37 with methionine.
Molecular consequence: missense variant.
Genome position (GRCh38, 1-based): chr5:175,442,990, G>A on the plus strand (C>T on the coding strand, the complement: DRD1 is on the minus strand). VCF-style: chr5-175442990-G-A. GRCh37 (hg19) VCF-style: chr5-174869993-G-A.
Other names: short protein forms T37M.
Identifiers: ClinVar variation 4072307 (VCV004072307.2).

ClinVar aggregate classification (germline): Conflicting classifications of pathogenicity. Review status: criteria provided, conflicting classifications (1 of 4 stars). 2 submissions from 2 submitters: Pathogenic (1); Uncertain significance (1). Last evaluated 2026-04-09.

Conditions:
Parkinsonism-dystonia, infantile. Identifiers: Orphanet 238455, MedGen C2751067, MONDO:0013150.
DRD1-related Dystonia.

gnomAD v4.1: 5 of 1,613,984 alleles (0.00031%); highest among the groups gnomAD compares: Non-Finnish European, 0.00034%; no homozygotes.

Submissions (2):

Department of Medical Genetics, Gazi University
Classification: Pathogenic for Parkinsonism-dystonia, infantile. Last evaluated: 2026-04-09. Review status: criteria provided, single submitter. Criteria: ACMG Guidelines, 2015. Collection method: clinical testing. Allele origin: biparental. Inheritance: Autosomal recessive inheritance. Affected: yes. Observed: 1 variant allele, 1 homozygote.
Comment: The NM_000794.5 (DRD1):c.110C>T (p.Thr37Met) variant has been identified in a homozygous state in five affected individuals from two unrelated families presenting with early-onset infantile dystonia and severe neurodevelopmental features. Segregation analysis confirmed that both parents are heterozygous carriers, consistent with autosomal recessive inheritance (PMID: 41966088). This variant is absent from the literature and is extremely rare in gnomAD (observed in five heterozygous individuals, with no homozygotes; MAF: 0.000003098). Multiple in silico prediction tools support a deleterious effect. The affected residue, Thr37, is highly conserved across vertebrate DRD1 and DRD5 orthologs, supporting functional importance. The variant is located within the first transmembrane domain, a critical region for receptor structure and function. Functional studies using an in cellulo GEF assay demonstrate that the p.Thr37Met variant impairs DRD1 receptor function. Specifically, the variant exhibits reduced dopamine sensitivity, accelerated signal termination, and significantly decreased cell-surface expression despite normal total protein levels, consistent with a loss-of-function (LoF) effect. Although p.Thr37Met retains partial activity, it is clearly functionally impaired. No dominant-negative effect was observed in functional studies, consistent with the absence of phenotype in heterozygous carriers (PMID: 41966088).

3billion
Classification: Uncertain significance for DRD1-related Dystonia. Last evaluated: 2025-02-06. Review status: criteria provided, single submitter. Criteria: ACMG Guidelines, 2015. Collection method: clinical testing. Allele origin: germline. Affected: yes.
Comment: The variant is observed at an extremely low frequency in the gnomAD v4.1.0 dataset (total allele frequency: <0.001%). Predicted Consequence/Location: Missense variant In silico tool predictions suggest damaging effect of the variant on gene or gene product [REVEL: 0.62 (>=0.6, sensitivity 0.68 and specificity 0.92)]. Therefore, this variant is classified as VUS according to the recommendation of ACMG/AMP guideline.

Literature cited by the submitters: PubMed 41966088 (cited by Department of Medical Genetics, Gazi University).